The following is an entry in ClinVar:

NM_015386.3(COG4):c.128T>C (p.Leu43Pro)

Gene: COG4 (component of oligomeric golgi complex 4; minus strand). Cytogenetic location: 16q22.1.
Variant type: single nucleotide variant.
Coding change: c.128T>C on transcript NM_015386.3 (MANE Select); coding-DNA position 128, T replaced by C.
Protein change: p.Leu43Pro; replaces leucine 43 with proline.
Molecular consequence: missense variant. On other transcripts: 5 prime UTR variant (1), non-coding transcript variant (1).
Genome position (GRCh38, 1-based): chr16:70,523,416, A>G on the plus strand (T>C on the coding strand, the complement: COG4 is on the minus strand). VCF-style: chr16-70523416-A-G. GRCh37 (hg19) VCF-style: chr16-70557319-A-G.
Other names: c.116T>C, p.Leu39Pro (NM_001195139.2); c.-472T>C (NM_001365426.1); short protein forms L43P, L39P.
Identifiers: ClinVar variation 3653692 (VCV003653692.2).

ClinVar aggregate classification (germline): Uncertain significance (1 of 4 stars; one submission).

Conditions:
COG4-congenital disorder of glycosylation. Also called: COG4-CDG; CONGENITAL DISORDER OF GLYCOSYLATION, TYPE IIj; CDG IIj. Identifiers: Orphanet 263501, MedGen C4303552, MONDO:0013281, OMIM 613489.

Submission:

Labcorp Genetics (formerly Invitae), Labcorp
Classification: Uncertain significance for COG4-congenital disorder of glycosylation. Last evaluated: 2025-04-07. Review status: criteria provided, single submitter. Criteria: Invitae Variant Classification Sherloc (09022015). Collection method: clinical testing. Allele origin: germline.
Comment: This sequence change replaces leucine, which is neutral and non-polar, with proline, which is neutral and non-polar, at codon 43 of the COG4 protein (p.Leu43Pro). This variant is not present in population databases (gnomAD no frequency). This variant has not been reported in the literature in individuals affected with COG4-related conditions. ClinVar contains an entry for this variant (Variation ID: 3653692). Invitae Evidence Modeling of protein sequence and biophysical properties (such as structural, functional, and spatial information, amino acid conservation, physicochemical variation, residue mobility, and thermodynamic stability) indicates that this missense variant is not expected to disrupt COG4 protein function with a negative predictive value of 80%. In summary, the available evidence is currently insufficient to determine the role of this variant in disease. Therefore, it has been classified as a Variant of Uncertain Significance.